The following is an entry in ClinVar:

NM_015338.6(ASXL1):c.1132G>A (p.Glu378Lys)

Gene: ASXL1 (ASXL transcriptional regulator 1; plus strand). Cytogenetic location: 20q11.21.
Variant type: single nucleotide variant.
Coding change: c.1132G>A on transcript NM_015338.6 (MANE Select); coding-DNA position 1132, G replaced by A.
Protein change: p.Glu378Lys; replaces glutamic acid 378 with lysine.
Molecular consequence: missense variant.
Genome position (GRCh38, 1-based): chr20:32,433,330, G>A. VCF-style: chr20-32433330-G-A. GRCh37 (hg19) VCF-style: chr20-31021133-G-A.
Other names: c.949G>A, p.Glu317Lys (NM_001363734.1); short protein forms E378K, E317K.
Identifiers: ClinVar variation 4158901 (VCV004158901.1).
Genomic context (GRCh38, chr20:32,433,330, plus strand): 5'-ATTTTGATTTGCAGGCTGGGTTTGACCAAAGAAGAGTCATTGCAGCAGAACGTGGGCCAG[G>A]AGGAGGCTGAAATCAAAAGTGGCTTGTGTGTCCCAGGAGAATCAGTGCGTATACAGCGTG-3'
Protein context (NP_056153.2, residues 368-388): EESLQQNVGQ[Glu378Lys]EAEIKSGLCV

ClinVar aggregate classification (germline): Uncertain significance (1 of 4 stars; one submission).

Conditions:
Inborn genetic diseases. Identifiers: MedGen C0950123, MeSH D030342.

Submission:

Ambry Genetics
Classification: Uncertain significance for Inborn genetic diseases. Last evaluated: 2025-08-14. Review status: criteria provided, single submitter. Criteria: Ambry Variant Classification Scheme 2023. Collection method: clinical testing. Allele origin: germline.
Comment: The p.E378K variant (also known as c.1132G>A), located in coding exon 12 of the ASXL1 gene, results from a G to A substitution at nucleotide position 1132. The glutamic acid at codon 378 is replaced by lysine, an amino acid with similar properties. This amino acid position is conserved. In addition, this alteration is predicted to be tolerated by in silico analysis. Based on the available evidence, the clinical significance of this variant remains unclear.